The following is an entry in ClinVar:

ClinVar aggregate classification (germline): Uncertain significance. Review status: criteria provided, multiple submitters, no conflicts (2 of 4 stars). 3 submissions from 3 submitters: Uncertain significance (3). Last evaluated 2024-06-03.

Conditions:
Autosomal dominant nonsyndromic hearing loss 3B. Identifiers: Orphanet 90635, MedGen C2675237, MONDO:0012975, OMIM 612643.
Autosomal recessive nonsyndromic hearing loss 1A (DFNB1A). Also called: Nonsyndromic Hearing Loss and Deafness, DFNB1; GJB6-Related DFNB 1 Nonsyndromic Hearing Loss and Deafness; Deafness, autosomal recessive 1A; Connexin 26 deafness; Deafness nonsyndromic, Connexin 26 linked; GJB2-Related Autosomal Recessive Nonsyndromic Hearing Loss. Identifiers: Orphanet 90636, MedGen C2673759, MONDO:0009076, OMIM 220290.
X-linked mixed hearing loss with perilymphatic gusher. Also called: NANCE DEAFNESS; PERILYMPHATIC GUSHER-DEAFNESS SYNDROME; SENSORINEURAL DEAFNESS, PROFOUND, WITH OR WITHOUT A CONDUCTIVE COMPONENT, ASSOCIATED WITH A UNIQUE DEVELOPMENTAL ABNORMALITY OF THE EAR; Deafness, X-linked 2; Gusher syndrome. Identifiers: Orphanet 383, MedGen C1844678, MONDO:0010576, OMIM 304400.
Autosomal recessive nonsyndromic hearing loss 1B. Also called: DEAFNESS, AUTOSOMAL RECESSIVE 1B. Identifiers: Orphanet 90636, MedGen C2675235, MONDO:0012977, OMIM 612645.
Hidrotic ectodermal dysplasia syndrome (GJB6). Also called: Clouston syndrome; Clouston's hidrotic ectodermal dysplasia; CLOUSTON HIDROTIC ECTODERMAL DYSPLASIA; Ectodermal dysplasia 2, hidrotic; Autosomal dominant hidrotic ectodermal dysplasia; ECTODERMAL DYSPLASIA 2, CLOUSTON TYPE. Identifiers: Orphanet 189, MedGen C0162361, MONDO:0007510, OMIM 129500.

Allele frequency attached by ClinVar (database versions not stated): TOPMed 0.00003; gnomAD 0.00001.
gnomAD v4.1: 27 of 1,613,960 alleles (0.0017%); highest among the groups gnomAD compares: South Asian, 0.0033%; no homozygotes.

Submissions (3):

Labcorp Genetics (formerly Invitae), Labcorp
Classification: Uncertain significance for Autosomal dominant nonsyndromic hearing loss 3B; Hidrotic ectodermal dysplasia syndrome; Autosomal recessive nonsyndromic hearing loss 1B; Autosomal recessive nonsyndromic hearing loss 1A. Last evaluated: 2024-06-03. Review status: criteria provided, single submitter. Criteria: Invitae Variant Classification Sherloc (09022015). Collection method: clinical testing. Allele origin: germline.
Comment: This sequence change replaces glycine, which is neutral and non-polar, with arginine, which is basic and polar, at codon 21 of the GJB6 protein (p.Gly21Arg). This variant is present in population databases (rs751440971, gnomAD 0.007%). This missense change has been observed in individual(s) with deafness (PMID: 27068579). ClinVar contains an entry for this variant (Variation ID: 1303411). Advanced modeling of protein sequence and biophysical properties (such as structural, functional, and spatial information, amino acid conservation, physicochemical variation, residue mobility, and thermodynamic stability) performed at Invitae indicates that this missense variant is expected to disrupt GJB6 protein function with a positive predictive value of 80%. In summary, the available evidence is currently insufficient to determine the role of this variant in disease. Therefore, it has been classified as a Variant of Uncertain Significance.

GeneDx
Classification: Uncertain significance. Last evaluated: 2022-12-29. Review status: criteria provided, single submitter. Criteria: GeneDx Variant Classification Process June 2021. Collection method: clinical testing. Allele origin: germline. Affected: yes.
Comment: Observed in a patient with hearing loss in the published literature, but no detailed information was provided (Sommen et al., 2016); In silico analysis, which includes protein predictors and evolutionary conservation, supports a deleterious effect; This variant is associated with the following publications: (PMID: 34426522, 27068579)

Fulgent Genetics
Classification: Uncertain significance for Hidrotic ectodermal dysplasia syndrome; Autosomal recessive nonsyndromic hearing loss 1A; X-linked mixed hearing loss with perilymphatic gusher; Autosomal dominant nonsyndromic hearing loss 3B; Autosomal recessive nonsyndromic hearing loss 1B. Last evaluated: 2021-09-20. Review status: criteria provided, single submitter. Criteria: ACMG Guidelines, 2015. Collection method: clinical testing. Allele origin: unknown.

Literature cited by the submitters: PubMed 27068579 (cited by Labcorp Genetics (formerly Invitae), Labcorp).

NM_001110219.3(GJB6):c.61G>A (p.Gly21Arg)

Gene: GJB6 (gap junction protein beta 6; minus strand). Cytogenetic location: 13q12.11.
Variant type: single nucleotide variant.
Coding change: c.61G>A on transcript NM_001110219.3 (MANE Select); coding-DNA position 61, G replaced by A.
Protein change: p.Gly21Arg; replaces glycine 21 with arginine.
Molecular consequence: missense variant.
Genome position (GRCh38, 1-based): chr13:20,223,420, C>T on the plus strand (G>A on the coding strand, the complement: GJB6 is on the minus strand). VCF-style: chr13-20223420-C-T. GRCh37 (hg19) VCF-style: chr13-20797559-C-T.
Other names: c.61G>A, p.Gly21Arg (NM_001110220.3, NM_001110221.3, NM_001370090.1 and 3 more transcripts); short protein forms G21R.
Identifiers: ClinVar variation 1303411 (VCV001303411.6), dbSNP rs751440971, ClinGen allele CA6904518.